The following is an entry in ClinVar:

ClinVar aggregate classification (germline): Conflicting classifications of pathogenicity. Review status: criteria provided, conflicting classifications (1 of 4 stars). 5 submissions from 5 submitters: Uncertain significance (2); Benign (2); Likely benign (1). Last evaluated 2026-01-28.

Conditions:
Autosomal recessive limb-girdle muscular dystrophy type 2K. Also called: MUSCULAR DYSTROPHY, LIMB-GIRDLE, TYPE 2K; MUSCULAR DYSTROPHY-DYSTROGLYCANOPATHY (LIMB-GIRDLE), TYPE C, 1. Identifiers: Orphanet 86812, MedGen C1836373, MONDO:0012248, OMIM 609308.
Walker-Warburg congenital muscular dystrophy. Also called: Muscular dystrophy-dystroglycanopathy, type A; Walker-Warburg syndrome. Identifiers: Orphanet 899, MedGen C0265221, MONDO:0000171.
Muscular dystrophy-dystroglycanopathy (congenital with impaired intellectual development), type B, 1. Also called: Muscular dystrophy-dystroglycanopathy (congenital with intellectual disability), type B1; MUSCULAR DYSTROPHY, CONGENITAL, POMT1-RELATED. Identifiers: MedGen C5436962, MONDO:0013159, OMIM 613155.

Allele frequency attached by ClinVar (database versions not stated): 1000 Genomes Project 0.00040; gnomAD 0.00045; 1000 Genomes Project 30x 0.00062; TOPMed 0.00068; ExAC 0.00117; ESP Exome Variant Server 0.00123; gnomAD exomes 0.00155.
gnomAD v4.1: 1,310 of 1,607,162 alleles (0.082%); highest among the groups gnomAD compares: Middle Eastern, 0.033%; 14 homozygotes.

Submissions (5):

Labcorp Genetics (formerly Invitae), Labcorp
Classification: Benign for Muscular dystrophy-dystroglycanopathy (congenital with impaired intellectual development), type B, 1; Walker-Warburg congenital muscular dystrophy; Autosomal recessive limb-girdle muscular dystrophy type 2K. Last evaluated: 2026-01-28. Review status: criteria provided, single submitter. Criteria: Invitae Variant Classification Sherloc (09022015). Collection method: clinical testing. Allele origin: germline.

GeneDx
Classification: Likely benign. Last evaluated: 2018-02-26. Review status: criteria provided, single submitter. Criteria: GeneDx Variant Classification (06012015). Collection method: clinical testing. Allele origin: germline. Affected: yes.
Comment: This variant is considered likely benign or benign based on one or more of the following criteria: it is a conservative change, it occurs at a poorly conserved position in the protein, it is predicted to be benign by multiple in silico algorithms, and/or has population frequency not consistent with disease.

Illumina Laboratory Services, Illumina
Classification: Uncertain significance for Autosomal recessive limb-girdle muscular dystrophy type 2K. Last evaluated: 2018-01-12. Review status: criteria provided, single submitter. Criteria: ICSL Variant Classification Criteria 13 December 2019. Collection method: clinical testing. Allele origin: germline.

Eurofins Ntd Llc (ga)
Classification: Uncertain significance. Last evaluated: 2012-11-05. Review status: criteria provided, single submitter. Criteria: EGL Classification Definitions 2015. Collection method: clinical testing. Allele origin: germline. Observed: 2 variant alleles, 2 heterozygotes.

PreventionGenetics, part of Exact Sciences
Classification: Benign. Review status: criteria provided, single submitter. Criteria: ACMG Guidelines, 2015. Collection method: clinical testing. Allele origin: germline.

NM_001077365.2(POMT1):c.1365+15C>T

Gene: POMT1 (protein O-mannosyltransferase 1; plus strand). Cytogenetic location: 9q34.13.
Variant type: single nucleotide variant.
Coding change: c.1365+15C>T on transcript NM_001077365.2 (MANE Select); 15 bases into the intron after coding-DNA position 1365, C replaced by T.
Molecular consequence: intron variant.
Genome position (GRCh38, 1-based): chr9:131,518,552, C>T. VCF-style: chr9-131518552-C-T. GRCh37 (hg19) VCF-style: chr9-134393939-C-T.
Other names: c.1269+15C>T (NM_001353198.2, NM_001353197.2); c.1431+15C>T (NM_001353193.2, NM_007171.4); c.1365+15C>T (NM_001136113.2, NM_001374690.1); c.1203+15C>T (NM_001353194.2, NM_001077366.2); c.1014+15C>T (NM_001374691.1, NM_001353195.2, NM_001374692.1 and 2 more transcripts); c.1275+15C>T (NM_001353196.2); c.975+15C>T (NM_001374695.1); c.1353+15C>T (NM_001374689.1); and 2 more.
Identifiers: ClinVar variation 95457 (VCV000095457.17), dbSNP rs58896330, ClinGen allele CA222995.